The following is an entry in ClinVar:

NM_015512.5(DNAH1):c.10449G>C (p.Ser3483=)

Gene: DNAH1 (dynein axonemal heavy chain 1; plus strand). Cytogenetic location: 3p21.1.
Variant type: single nucleotide variant.
Coding change: c.10449G>C on transcript NM_015512.5 (MANE Select); coding-DNA position 10449, G replaced by C.
Protein change: p.Ser3483=; no amino-acid change (serine 3483 retained).
Molecular consequence: synonymous variant.
Genome position (GRCh38, 1-based): chr3:52,393,000, G>C. VCF-style: chr3-52393000-G-C. GRCh37 (hg19) VCF-style: chr3-52427016-G-C.
Identifiers: ClinVar variation 3771958 (VCV003771958.13).

ClinVar aggregate classification (germline): Likely benign (1 of 4 stars; one submission).

gnomAD v4.1: 4 of 1,613,436 alleles (0.00025%); highest among the groups gnomAD compares: Non-Finnish European, 0.00034%; no homozygotes.

Submission:

CeGaT Center for Human Genetics Tuebingen
Classification: Likely benign. Last evaluated: 2025-01-01. Review status: criteria provided, single submitter. Criteria: CeGaT Center For Human Genetics Tuebingen Variant Classification Criteria Version 2. Collection method: clinical testing. Allele origin: germline. Affected: yes. Observed: 1 variant allele.
Comment: DNAH1: BP4, BP7